The following is an entry in ClinVar:

NM_005566.4(LDHA):c.340G>A (p.Val114Met)

Gene: LDHA (lactate dehydrogenase A; plus strand). Cytogenetic location: 11p15.1.
Variant type: single nucleotide variant.
Coding change: c.340G>A on transcript NM_005566.4 (MANE Select); coding-DNA position 340, G replaced by A.
Protein change: p.Val114Met; replaces valine 114 with methionine.
Molecular consequence: missense variant. On other transcripts: non-coding transcript variant (1), intron variant (1).
Genome position (GRCh38, 1-based): chr11:18,400,932, G>A. VCF-style: chr11-18400932-G-A. GRCh37 (hg19) VCF-style: chr11-18422479-G-A.
Other names: c.427G>A, p.Val143Met (NM_001165414.2); c.340G>A, p.Val114Met (NM_001165415.2, NM_001165416.2); c.244+1384G>A (NM_001135239.2); short protein forms V143M, V114M.
Identifiers: ClinVar variation 1963401 (VCV001963401.4), dbSNP rs1866464622, ClinGen allele CA379503369.
Genomic context (GRCh38, chr11:18,400,932, plus strand): 5'-ATCACGGCTGGGGCACGTCAGCAAGAGGGAGAAAGCCGTCTTAATTTGGTCCAGCGTAAC[G>A]TGAACATCTTTAAATTCATCATTCCTAATGTTGTAAAATACAGCCCGAACTGCAAGTTGC-3'
Protein context (NP_005557.1, residues 104-124): ESRLNLVQRN[Val114Met]NIFKFIIPNV

ClinVar aggregate classification (germline): Uncertain significance (1 of 4 stars; one submission).

Conditions:
Glycogen storage disease due to lactate dehydrogenase M-subunit deficiency (GSD11). Also called: Glycogen storage disease XI; GSD XI; LACTATE DEHYDROGENASE A DEFICIENCY. Identifiers: Orphanet 284426, MedGen C2931743, MONDO:0013047, OMIM 612933.

Allele frequency attached by ClinVar (database versions not stated): gnomAD exomes below 0.00001; gnomAD 0.00001.
gnomAD v4.1: 4 of 1,612,962 alleles (0.00025%); highest among the groups gnomAD compares: East Asian, 0.0022%; no homozygotes.

Submission:

Labcorp Genetics (formerly Invitae), Labcorp
Classification: Uncertain significance for Glycogen storage disease due to lactate dehydrogenase M-subunit deficiency. Last evaluated: 2022-10-24. Review status: criteria provided, single submitter. Criteria: Invitae Variant Classification Sherloc (09022015). Collection method: clinical testing. Allele origin: germline.
Comment: Advanced modeling of protein sequence and biophysical properties (such as structural, functional, and spatial information, amino acid conservation, physicochemical variation, residue mobility, and thermodynamic stability) performed at Invitae indicates that this missense variant is expected to disrupt LDHA protein function. This sequence change replaces valine, which is neutral and non-polar, with methionine, which is neutral and non-polar, at codon 114 of the LDHA protein (p.Val114Met). This variant is not present in population databases (gnomAD no frequency). This variant has not been reported in the literature in individuals affected with LDHA-related conditions. In summary, the available evidence is currently insufficient to determine the role of this variant in disease. Therefore, it has been classified as a Variant of Uncertain Significance.